The following is an entry in ClinVar:

ClinVar aggregate classification (germline): Benign/Likely benign. Review status: criteria provided, multiple submitters, no conflicts (2 of 4 stars). 4 submissions from 4 submitters: Benign (2); Likely benign (2). Last evaluated 2025-12-17.

Allele frequency attached by ClinVar (database versions not stated): ESP Exome Variant Server 0.00023; gnomAD 0.00024 and 0.00032; TOPMed 0.00025; gnomAD exomes 0.00056 and 0.00074; 1000 Genomes Project 0.00060; 1000 Genomes Project 30x 0.00062; ExAC 0.00071.
gnomAD v4.1: 867 of 1,612,858 alleles (0.054%); highest among the groups gnomAD compares: South Asian, 0.38%; 7 homozygotes.

Submissions (6):

Labcorp Genetics (formerly Invitae), Labcorp
Classification: Benign. Last evaluated: 2025-12-17. Review status: criteria provided, single submitter. Criteria: Invitae Variant Classification Sherloc (09022015). Collection method: clinical testing. Allele origin: germline.

CeGaT Center for Human Genetics Tuebingen
Classification: Likely benign. Last evaluated: 2025-07-01. Review status: criteria provided, single submitter. Criteria: CeGaT Center For Human Genetics Tuebingen Variant Classification Criteria Version 2. Collection method: clinical testing. Allele origin: germline. Affected: yes. Observed: 1 variant allele.
Comment: CD55: BS1

Blueprint Genetics
Classification: Likely benign. Last evaluated: 2024-10-14. Review status: criteria provided, single submitter. Criteria: ACMG Guidelines, 2015. Collection method: clinical testing. Allele origin: germline.

Breakthrough Genomics
Classification: Benign. Review status: criteria provided, single submitter. Criteria: ACMG Guidelines, 2015. Collection method: not provided. Allele origin: germline. Inheritance: Autosomal recessive inheritance. Affected: yes.

Dr. Peter K. Rogan Lab, Western University
No classification provided (evidence only). Condition: Familial cancer of breast. Review status: no classification provided. Collection method: in vitro. Allele origin: not applicable. Functional consequence: skipped exon, retained intron. Not counted in ClinVar's aggregate classification.

Dr. Peter K. Rogan Lab, Western University
No classification provided (evidence only). Condition: Cervical cancer. Review status: no classification provided. Collection method: in vitro. Allele origin: not applicable. Functional consequence: skipped exon, retained intron. Not counted in ClinVar's aggregate classification.

NM_000574.5(CD55):c.854-16A>G

Gene: CD55 (CD55 molecule (Cromer blood group); plus strand). Cytogenetic location: 1q32.2.
Variant type: single nucleotide variant.
Coding change: c.854-16A>G on transcript NM_000574.5 (MANE Select); 16 bases into the intron before coding-DNA position 854, A replaced by G.
Molecular consequence: intron variant.
Genome position (GRCh38, 1-based): chr1:207,336,677, A>G. VCF-style: chr1-207336677-A-G. GRCh37 (hg19) VCF-style: chr1-207510022-A-G.
Other names: c.854-16A>G (NM_001114752.3, NM_001300903.2, NM_001300904.2 and 1 more transcripts).
Identifiers: ClinVar variation 1169332 (VCV001169332.20), dbSNP rs200833209, ClinGen allele CA1368117.